The following is an entry in ClinVar:

NM_000135.4(FANCA):c.710-5T>C

Gene: FANCA (FA complementation group A; minus strand). Cytogenetic location: 16q24.3.
Variant type: single nucleotide variant.
Coding change: c.710-5T>C on transcript NM_000135.4 (MANE Select); 5 bases into the intron before coding-DNA position 710, T replaced by C.
Molecular consequence: intron variant.
Genome position (GRCh38, 1-based): chr16:89,803,346, A>G on the plus strand (T>C on the coding strand, the complement: FANCA is on the minus strand). VCF-style: chr16-89803346-A-G. GRCh37 (hg19) VCF-style: chr16-89869754-A-G.
Other names: c.710-5T>C (NM_000135.3, NM_001286167.3, NM_001018112.3); c.614-5T>C (NM_001351830.2).
Identifiers: ClinVar variation 848504 (VCV000848504.13), dbSNP rs2040523640, ClinGen allele CA916081863.

ClinVar aggregate classification (germline): Pathogenic/Likely pathogenic. Review status: criteria provided, multiple submitters, no conflicts (2 of 4 stars). 5 submissions from 5 submitters: Pathogenic (2); Likely pathogenic (2). 1 of the submissions does not count toward it. Last evaluated 2025-08-21.

Conditions:
Fanconi anemia complementation group A (FANCA). Also called: Fanconi anemia, group A; FANCA-Related Fanconi Anemia. Identifiers: Orphanet 84, MedGen C3469521, MONDO:0009215, OMIM 227650.
Fanconi anemia (FA). Also called: Fanconi's anemia. Identifiers: Orphanet 84, MedGen C0015625, MeSH D005199, MONDO:0019391.

Submissions (5):

Natera, Inc.
Classification: Pathogenic for Fanconi anemia. Last evaluated: 2025-08-21. Review status: criteria provided, single submitter. Criteria: Natera Variant Classification Schema (03/2026). Collection method: clinical testing. Allele origin: germline.
Comment: The c.710-5T>C variant in FANCA is an intronic variant located outside the canonical splice sites. This variant is rare in the general population with a frequency below the threshold expected for the associated phenotype(s). This variant has been observed in one or more individuals affected with the associated recessive disease, as either homozygous or compound heterozygous with a second variant (PMID: 37865086, 24584348, 21273304). Additionally, this variant has been observed to segregate in affected family members (PMID: 24584348). Functional studies show that this variant may disrupt protein function (PMID: 24704046). Computational prediction algorithms indicate this variant is likely to affect gene or protein function. Given the available evidence, this variant is classified as Pathogenic.

Myriad Genetics, Inc.
Classification: Likely pathogenic for Fanconi anemia complementation group A. Last evaluated: 2025-03-10. Review status: criteria provided, single submitter. Criteria: Myriad Autosomal Dominant, Autosomal Recessive and X-Linked Classification Criteria (2023). Collection method: clinical testing. Allele origin: unknown.
Comment: NM_000135.2(FANCA):c.710-5T>C is an intronic variant classified as likely pathogenic in the context of Fanconi anemia complementation group A. c.710-5T>C has been observed in cases with relevant disease (PMID: 24704046, 21273304, 37865086). Relevant functional assessments of this variant are available in the literature (PMID: 24704046). c.710-5T>C has not been observed in referenced population frequency databases. In summary, NM_000135.2(FANCA):c.710-5T>C is an intronic variant that has been observed more frequently in cases with the relevant disease than in healthy populations. Please note: this variant was assessed in the context of healthy population screening.

Fulgent Genetics
Classification: Likely pathogenic for Fanconi anemia complementation group A. Last evaluated: 2024-05-23. Review status: criteria provided, single submitter. Criteria: ACMG Guidelines, 2015. Collection method: clinical testing. Allele origin: germline.

Labcorp Genetics (formerly Invitae), Labcorp
Classification: Pathogenic for Fanconi anemia. Last evaluated: 2021-06-11. Review status: criteria provided, single submitter. Criteria: Invitae Variant Classification Sherloc (09022015). Collection method: clinical testing. Allele origin: germline.
Comment: For these reasons, this variant has been classified as Pathogenic. Studies have shown that this variant is associated with skipping of exon 8, which introduces a premature termination codon (PMID: 24704046). The resulting mRNA is expected to undergo nonsense-mediated decay. This variant has been observed in individual(s) with autosomal recessive Fanconi anemia (PMID: 21273304, 24704046). It has also been observed to segregate with disease in related individuals. ClinVar contains an entry for this variant (Variation ID: 848504). This variant is not present in population databases (ExAC no frequency). This sequence change falls in intron 7 of the FANCA gene. It does not directly change the encoded amino acid sequence of the FANCA protein. RNA analysis indicates that this variant induces altered splicing and may result in an absent or disrupted protein product.

Leiden Open Variation Database
Classification: Pathogenic for Fanconi anemia complementation group A. Last evaluated: 2020-02-28. Review status: no assertion criteria provided. Collection method: curation. Allele origin: germline. Affected: yes. Not counted in ClinVar's aggregate classification.
Comment: Curator: Arleen D. Auerbach. Submitter to LOVD: Arleen D. Auerbach.

Literature cited by the submitters: PubMed 37865086 (cited by Natera, Inc. and Myriad Genetics, Inc.); PubMed 24584348 (cited by Natera, Inc.); PubMed 21273304 (cited by 3 submitters); PubMed 24704046 (cited by 3 submitters).